The following is an entry in ClinVar:

NM_000038.6(APC):c.3251A>T (p.Asp1084Val)

Gene: APC (APC regulator of Wnt signaling pathway; plus strand). Cytogenetic location: 5q22.2.
Variant type: single nucleotide variant.
Coding change: c.3251A>T on transcript NM_000038.6 (MANE Select); coding-DNA position 3251, A replaced by T.
Protein change: p.Asp1084Val; replaces aspartic acid 1084 with valine.
Molecular consequence: missense variant.
Genome position (GRCh38, 1-based): chr5:112,838,845, A>T. VCF-style: chr5-112838845-A-T. GRCh37 (hg19) VCF-style: chr5-112174542-A-T.
Other names: c.3251A>T, p.Asp1084Val (NM_001127510.3, NM_001354895.2); c.3197A>T, p.Asp1066Val (NM_001127511.3); c.3305A>T, p.Asp1102Val (NM_001354896.2); c.3281A>T, p.Asp1094Val (NM_001354897.2); c.3176A>T, p.Asp1059Val (NM_001354898.2); c.3167A>T, p.Asp1056Val (NM_001354899.2); c.3128A>T, p.Asp1043Val (NM_001354900.2); c.3074A>T, p.Asp1025Val (NM_001354901.2); and 5 more; short protein forms D1066V, D1084V, D1043V, D958V, D1056V, D1094V, D801V, D924V.
Identifiers: ClinVar variation 490260 (VCV000490260.16), dbSNP rs201904856, ClinGen allele CA034805.

ClinVar aggregate classification (germline): Conflicting classifications of pathogenicity. Review status: criteria provided, conflicting classifications (1 of 4 stars). 4 submissions from 4 submitters: Uncertain significance (3); Likely benign (1). Last evaluated 2025-09-27.

Conditions:
Familial adenomatous polyposis 1 (FAP1). Also called: POLYPOSIS, ADENOMATOUS INTESTINAL; FAMILIAL ADENOMATOUS POLYPOSIS 1, ATTENUATED. Identifiers: MedGen C2713442, MONDO:0021056, OMIM 175100. Disease mechanism: loss of function.
Hereditary cancer-predisposing syndrome. Also called: Hereditary Cancer Syndrome; Neoplastic Syndromes, Hereditary; Tumor predisposition; Hereditary neoplastic syndrome. Identifiers: Orphanet 140162, MedGen C0027672, MeSH D009386, MONDO:0015356.

Allele frequency attached by ClinVar (database versions not stated): ExAC 0.00001.
gnomAD v4.1: 6 of 1,614,202 alleles (0.00037%); highest among the groups gnomAD compares: South Asian, 0.0066%; no homozygotes.

Submissions (4):

Labcorp Genetics (formerly Invitae), Labcorp
Classification: Uncertain significance for Familial adenomatous polyposis 1. Last evaluated: 2025-09-27. Review status: criteria provided, single submitter. Criteria: Invitae Variant Classification Sherloc (09022015). Collection method: clinical testing. Allele origin: germline.
Comment: This sequence change replaces aspartic acid, which is acidic and polar, with valine, which is neutral and non-polar, at codon 1084 of the APC protein (p.Asp1084Val). This variant is present in population databases (rs201904856, gnomAD 0.007%). This variant has not been reported in the literature in individuals affected with APC-related conditions. ClinVar contains an entry for this variant (Variation ID: 490260). Invitae Evidence Modeling of protein sequence and biophysical properties (such as structural, functional, and spatial information, amino acid conservation, physicochemical variation, residue mobility, and thermodynamic stability) indicates that this missense variant is not expected to disrupt APC protein function with a negative predictive value of 95%. In summary, the available evidence is currently insufficient to determine the role of this variant in disease. Therefore, it has been classified as a Variant of Uncertain Significance.

Ambry Genetics
Classification: Likely benign for Hereditary cancer-predisposing syndrome. Last evaluated: 2024-05-09. Review status: criteria provided, single submitter. Criteria: Ambry Variant Classification Scheme 2023. Collection method: clinical testing. Allele origin: germline.

Color Diagnostics, LLC DBA Color Health
Classification: Uncertain significance for Hereditary cancer-predisposing syndrome. Last evaluated: 2023-12-04. Review status: criteria provided, single submitter. Criteria: ACMG Guidelines, 2015. Collection method: clinical testing. Allele origin: germline.
Comment: This missense variant replaces aspartic acid with valine at codon 1084 of the APC protein. Computational prediction suggests that this variant may not impact protein structure and function (internally defined REVEL score threshold <= 0.5, PMID: 27666373). To our knowledge, functional studies have not been reported for this variant. This variant has not been reported in individuals affected with APC-related disorders in the literature. This variant has been identified in 2/250346 chromosomes in the general population by the Genome Aggregation Database (gnomAD). The available evidence is insufficient to determine the role of this variant in disease conclusively. Therefore, this variant is classified as a Variant of Uncertain Significance.

Quest Diagnostics Nichols Institute San Juan Capistrano
Classification: Uncertain significance. Last evaluated: 2019-10-03. Review status: criteria provided, single submitter. Criteria: Quest Diagnostics criteria. Collection method: clinical testing. Allele origin: unknown.